The following is an entry in ClinVar:

ClinVar aggregate classification (germline): Pathogenic/Likely pathogenic. Review status: criteria provided, multiple submitters, no conflicts (2 of 4 stars). 8 submissions from 8 submitters: Pathogenic (7); Likely pathogenic (1). Last evaluated 2026-01-30.

Conditions:
SPRED1-related disorder. Also called: SPRED1-related condition.
Noonan syndrome and Noonan-related syndrome. Identifiers: Orphanet 98733, MedGen C5681679, MONDO:0020297.
Cardiovascular phenotype. Identifiers: MedGen CN230736.
Legius syndrome. Identifiers: Orphanet 137605, MedGen C1969623, MONDO:0012669, OMIM 611431. Disease mechanism: loss of function.

Allele frequency attached by ClinVar (database versions not stated): gnomAD exomes below 0.00001.

Submissions (8):

GeneDx
Classification: Pathogenic. Last evaluated: 2026-01-30. Review status: criteria provided, single submitter. Criteria: GeneDx Variant Classification Process June 2021. Collection method: clinical testing. Allele origin: germline. Affected: yes.
Comment: Frameshift variant predicted to result in abnormal protein length as the last 1749 amino acid(s) are replaced with 3 different amino acid(s), and other similar variants have been reported in HGMD; Observed in individuals tested at GeneDx and in published literature with clinical features of Legius syndrome (PMID: 17704776); Published functional studies demonstrate a damaging effect: inability to inhibit the RAS/MAPK pathway (PMID: 22751498, 17704776); Not observed at significant frequency in large population cohorts (gnomAD); This variant is associated with the following publications: (PMID: 22751498, 17704776)

Labcorp Genetics (formerly Invitae), Labcorp
Classification: Pathogenic for Legius syndrome. Last evaluated: 2025-12-19. Review status: criteria provided, single submitter. Criteria: Invitae Variant Classification Sherloc (09022015). Collection method: clinical testing. Allele origin: germline.
Comment: This sequence change creates a premature translational stop signal (p.Met266Valfs*4) in the SPRED1 gene. While this is not anticipated to result in nonsense mediated decay, it is expected to disrupt the last 179 amino acid(s) of the SPRED1 protein. This variant is not present in population databases (gnomAD no frequency). This premature translational stop signal has been observed in individuals with cafe au lait macules (PMID: 17704776; internal data). Invitae Evidence Modeling of clinical and family history, age, sex, and reported ancestry of multiple individuals with this SPRED1 variant has been performed. This variant is expected to be pathogenic with a positive predictive value of at least 99%. This is a validated machine learning model that incorporates the clinical features of 198,265 individuals referred to our laboratory for SPRED1 testing. ClinVar contains an entry for this variant (Variation ID: 220172). Algorithms developed to predict the effect of variants on gene product structure and function are not available or were not evaluated for this variant. Experimental studies have shown that this premature translational stop signal affects SPRED1 function (PMID: 17704776, 22751498). For these reasons, this variant has been classified as Pathogenic.

Ambry Genetics
Classification: Pathogenic for Cardiovascular phenotype. Last evaluated: 2024-08-13. Review status: criteria provided, single submitter. Criteria: Ambry Variant Classification Scheme 2023. Collection method: clinical testing. Allele origin: germline.
Comment: The c.796_797delAT pathogenic mutation, located in coding exon 7 of the SPRED1 gene, results from a deletion of two nucleotides at nucleotide positions 796 to 797, causing a translational frameshift with a predicted alternate stop codon (p.M266Vfs*4). This alteration occurs at the 3' terminus of theSPRED1 gene, is not expected to trigger nonsense-mediated mRNA decay, and impacts the last 40% of the protein. However, premature stop codons are typically deleterious in nature and the impacted region is critical for protein function (Ambry internal data). This variant has been detected in individuals with features consistent with Legius syndrome (Brems H et al. Nat Genet, 2007 Sep;39:1120-6; Pasmant E et al. Eur J Hum Genet, 2015 May;23:596-601; Ambry internal data). In assays testing SPRED1 function, this variant showed a functionally abnormal result (Brems H et al. Nat Genet, 2007 Sep;39:1120-6; Stowe IB et al. Genes Dev, 2012 Jul;26:1421-6). This variant is considered to be rare based on population cohorts in the Genome Aggregation Database (gnomAD). Based on the supporting evidence, this variant is interpreted as a disease-causing mutation.

Victorian Clinical Genetics Services, Murdoch Childrens Research Institute
Classification: Pathogenic for Legius syndrome. Last evaluated: 2023-12-21. Review status: criteria provided, single submitter. Criteria: ACMG Guidelines, 2015. Collection method: clinical testing. Allele origin: germline. Inheritance: Autosomal dominant inheritance. Affected: yes.
Comment: Based on the classification scheme VCGS_Germline_v1.3.4, this variant is classified as Pathogenic. Following criteria are met: 0102 - Loss of function is a known mechanism of disease in this gene and is associated with Legius syndrome (MIM#611431). (I) 0107 - This gene is associated with autosomal dominant disease. (I) 0204 - Variant is predicted to result in a truncated protein (premature termination codon is NOT located at least 54 nucleotides upstream of the final exon-exon junction) with at least 1/3 of the protein sequence affected. (SP) 0251 - This variant is heterozygous. (I) 0301 - Variant is absent from gnomAD (both v2 and v3). (SP) 0701 - Other downstream protein-truncating variants comparable to the one identified in this case have very strong previous evidence for pathogenicity (DECIPHER). (SP) 0801 - This variant has strong previous evidence of pathogenicity in unrelated individuals. It has been identified in at least two affected individuals with cafe-au-lait spots with or without learning disabilities (PMIDs: 17704776, 25074460) and classified as likely pathogenic/pathogenic by diagnostic laboratories in ClinVar. (SP) 1208 - Inheritance information for this variant is not currently available in this individual. (I) Legend: (SP) - Supporting pathogenic, (I) - Information, (SB) - Supporting benign

Blueprint Genetics
Classification: Pathogenic for SPRED1-related disorders. Last evaluated: 2022-09-27. Review status: criteria provided, single submitter. Criteria: ACMG Guidelines, 2015. Collection method: clinical testing. Allele origin: germline. Affected: yes. Observed: 2 variant alleles.

MGZ Medical Genetics Center
Classification: Likely pathogenic for Legius syndrome. Last evaluated: 2022-07-27. Review status: criteria provided, single submitter. Criteria: ACMG Guidelines, 2015. Collection method: clinical testing. Allele origin: germline. Affected: yes. Observed: 1 variant allele.
Comment: ACMG criteria applied: PVS1_STR, PS3_MOD, PS4_MOD, PM2_SUP

Genome Diagnostics Laboratory, The Hospital for Sick Children
Classification: Pathogenic for Noonan syndrome and Noonan-related syndrome. Last evaluated: 2020-02-01. Review status: criteria provided, single submitter. Criteria: ACMG Guidelines, 2015. Collection method: clinical testing. Allele origin: germline. Affected: yes.

Center for Human Genetics, Inc
Classification: Pathogenic for Legius syndrome. Last evaluated: 2016-11-01. Review status: criteria provided, single submitter. Criteria: ACMG Guidelines, 2015. Collection method: clinical testing. Allele origin: germline. Affected: yes.

Literature cited by the submitters: PubMed 17704776 (cited by 3 submitters); PubMed 22751498 (cited by Labcorp Genetics (formerly Invitae), Labcorp and Ambry Genetics); PubMed 25074460 (cited by Ambry Genetics and Victorian Clinical Genetics Services, Murdoch Childrens Research Institute).

NM_152594.3(SPRED1):c.796_797del (p.Met266fs)

Gene: SPRED1 (sprouty related EVH1 domain containing 1; plus strand). Cytogenetic location: 15q14.
Variant type: Deletion.
Coding change: c.796_797del on transcript NM_152594.3 (MANE Select); coding-DNA positions 796 to 797, 2 bases deleted (AT; older notation c.796_797delAT).
Protein change: p.Met266fs; shifts the reading frame from methionine 266.
Molecular consequence: frameshift variant.
Genome position (GRCh38, 1-based): chr15:38,351,125-38,351,126, AT deleted. VCF-style (leftmost placement, unchanged base first): chr15-38351124-CAT-C. GRCh37 (hg19) VCF-style: chr15-38643325-CAT-C.
Other names: c.796_797del (NM_152594.2); short protein forms M266fs.
Identifiers: ClinVar variation 220172 (VCV000220172.19), dbSNP rs864622410, ClinGen allele CA348567.